The following is an entry in ClinVar:

ClinVar aggregate classification (germline): Pathogenic. Review status: reviewed by expert panel (3 of 4 stars). 2 submissions from 2 submitters: Pathogenic (1). 1 of the submissions does not count toward it. Last evaluated 2017-12-15.

Conditions:
Hereditary cancer-predisposing syndrome. Also called: Tumor predisposition; Hereditary Cancer Syndrome; Neoplastic Syndromes, Hereditary; Hereditary neoplastic syndrome. Identifiers: Orphanet 140162, MedGen C0027672, MeSH D009386, MONDO:0015356.
Breast-ovarian cancer, familial, susceptibility to, 1 (BROVCA1). Also called: BRCA1 Hereditary Breast and Ovarian Cancer; OVARIAN CANCER, SUSCEPTIBILITY TO. Identifiers: Orphanet 145, MedGen C2676676, MONDO:0011450, OMIM 604370. Disease mechanism: loss of function.

Submissions (2):

Evidence-based Network for the Interpretation of Germline Mutant Alleles (ENIGMA)
Classification: Pathogenic for Breast-ovarian cancer, familial, susceptibility to, 1. Last evaluated: 2017-12-15. Review status: reviewed by expert panel. Criteria: ENIGMA BRCA1/2 Classification Criteria (2017-06-29). Collection method: curation. Allele origin: germline. Study: ENIGMA.
Comment: Variant allele predicted to encode a truncated non-functional protein.

Ambry Genetics
Classification: Pathogenic for Hereditary cancer-predisposing syndrome. Last evaluated: 2023-06-03. Review status: criteria provided, single submitter. Criteria: Ambry Variant Classification Scheme 2023. Collection method: clinical testing. Allele origin: germline. Not counted in ClinVar's aggregate classification.
Comment: The c.1542_1550delTGAGGATTTinsCG pathogenic mutation, located in coding exon 9 of the BRCA1 gene, results from the deletion of 9 nucleotides and insertion of two nucleotides causing a translational frameshift with a predicted alternate stop codon (p.E515Vfs*15). This variant is considered to be rare based on population cohorts in the Genome Aggregation Database (gnomAD). This alteration is expected to result in loss of function by premature protein truncation or nonsense-mediated mRNA decay. As such, this alteration is interpreted as a disease-causing mutation.

NM_007294.4(BRCA1):c.1542_1550delinsCG (p.Glu515fs)

Gene: BRCA1 (BRCA1 DNA repair associated; minus strand). Cytogenetic location: 17q21.31.
Variant type: Indel.
Coding change: c.1542_1550delinsCG on transcript NM_007294.4 (MANE Select); coding-DNA positions 1542 to 1550, TGAGGATTT replaced by CG.
Protein change: p.Glu515fs; shifts the reading frame from glutamic acid 515.
Molecular consequence: frameshift variant. On other transcripts: intron variant (137).
Genome position (GRCh38, 1-based): chr17:43,093,981-43,093,989, AAATCCTCA replaced by CG on the plus strand (TGAGGATTT replaced by CG on the coding strand, the reverse complement: BRCA1 is on the minus strand). VCF-style: chr17-43093981-AAATCCTCA-CG. GRCh37 (hg19) VCF-style: chr17-41245998-AAATCCTCA-CG.
Other names: c.709+755_709+763delinsCG (NM_001408412.1, NM_001408409.1, NM_001408414.1 and 2 more transcripts); c.451+755_451+763delinsCG (NM_001408509.1, NM_001408508.1); c.574+755_574+763delinsCG (NM_001408491.1, NM_001408493.1, NM_001408490.1); c.460+1857_460+1865delinsCG (NM_001408506.1, NM_001408507.1); c.577+755_577+763delinsCG (NM_001408481.1, NM_001408480.1, NM_001408492.1 and 9 more transcripts); c.778+755_778+763delinsCG (NM_001408408.1); c.661+755_661+763delinsCG (NM_001408446.1, NM_001408435.1, NM_001408448.1 and 6 more transcripts); c.784+755_784+763delinsCG (NM_001408401.1, NM_001408396.1, NM_001407985.1 and 13 more transcripts); and 40 more; short protein forms E468fs, E515fs, E403fs, E404fs, E447fs, E473fs, E474fs, E488fs.
Identifiers: ClinVar variation 232164 (VCV000232164.7), dbSNP rs876659591, ClinGen allele CA10580661.